The following is an entry in ClinVar:

ClinVar aggregate classification (germline): Pathogenic (1 of 4 stars; one submission).

Conditions:
Arrhythmogenic right ventricular dysplasia 8 (ARVD8). Also called: Arrhythmogenic Right Ventricular Dysplasia/Cardiomyopathy 8; ARRHYTHMOGENIC RIGHT VENTRICULAR DYSPLASIA, FAMILIAL, 8; ARRHYTHMOGENIC RIGHT VENTRICULAR CARDIOMYOPATHY 8. Identifiers: MedGen C1843896, MONDO:0011831, OMIM 607450.
Arrhythmogenic cardiomyopathy with wooly hair and keratoderma. Also called: Carvajal syndrome; PALMOPLANTAR KERATODERMA WITH LEFT VENTRICULAR CARDIOMYOPATHY AND WOOLLY HAIR; Arrhythmogenic cardiomyopathy with woolly hair and keratoderma; Dilated cardiomyopathy with woolly hair and keratoderma. Identifiers: Orphanet 65282, MedGen C1854063, MONDO:0011581, OMIM 605676.

Submission:

Labcorp Genetics (formerly Invitae), Labcorp
Classification: Pathogenic for Arrhythmogenic cardiomyopathy with wooly hair and keratoderma; Arrhythmogenic right ventricular dysplasia 8. Last evaluated: 2020-04-22. Review status: criteria provided, single submitter. Criteria: Invitae Variant Classification Sherloc (09022015). Collection method: clinical testing. Allele origin: germline.
Comment: This variant is not present in population databases (ExAC no frequency). This sequence change creates a premature translational stop signal (p.Arg1015Serfs*3) in the DSP gene. It is expected to result in an absent or disrupted protein product. This variant has been observed in individual(s) with DSP-related conditions (PMID: 19095136, 28527814). For these reasons, this variant has been classified as Pathogenic. Loss-of-function variants in DSP are known to be pathogenic (PMID: 20716751, 24503780, 25227139).

Literature cited by the submitters: PubMed 19095136; PubMed 28527814; PubMed 20716751; PubMed 24503780; PubMed 25227139.

NM_004415.4(DSP):c.3045del (p.Arg1015fs)

Gene: DSP (desmoplakin; plus strand). Cytogenetic location: 6p24.3.
Variant type: Deletion.
Coding change: c.3045del on transcript NM_004415.4 (MANE Select); coding-DNA position 3045, one base deleted (G; older notation c.3045delG).
Protein change: p.Arg1015fs; shifts the reading frame from arginine 1015.
Molecular consequence: frameshift variant.
Genome position (GRCh38, 1-based): chr6:7,578,523, G deleted; the last of 2 consecutive G bases (chr6:7,578,522-7,578,523); deleting either gives the same sequence. VCF-style (leftmost placement, unchanged base first): chr6-7578521-AG-A. GRCh37 (hg19) VCF-style: chr6-7578754-AG-A.
Other names: c.3045del, p.Arg1015fs (NM_001008844.3, NM_001319034.2); short protein forms R1015fs.
Identifiers: ClinVar variation 1074954 (VCV001074954.9), dbSNP rs1409693501, ClinGen allele CA658820641.
Genomic context (GRCh38, chr6:7,578,521, plus strand): 5'-AAGGCTGCAGATGTTCATGCTCGGTACATTGAACTACTTACAAGATCTGGAGACTATTAC[AG>A]GTTCTTAAGTGAGATGCTGAAGAGTTTGGAAGATCTGAAGGTAATTTATACTGTCTTTTC-3'